The following is an entry in ClinVar:

ClinVar aggregate classification (germline): Uncertain significance (1 of 4 stars; one submission).

Conditions:
Neuropathy, hereditary sensory and autonomic, type 2A (HSAN2A). Also called: HSAN IIA; WNK1-Related HSAN2 (HSAN2A); ACROOSTEOLYSIS, GIACCAI TYPE; ACROOSTEOLYSIS, NEUROGENIC; MORVAN DISEASE; NEUROPATHY, CONGENITAL SENSORY. Identifiers: Orphanet 970, MedGen C2752089, MONDO:0024309, OMIM 201300.
Pseudohypoaldosteronism type 2C (PHA2C). Also called: Pseudohypoaldosteronism Type IIC. Identifiers: Orphanet 757, Orphanet 88940, MedGen C1840391, MONDO:0013778, OMIM 614492.

Allele frequency attached by ClinVar (database versions not stated): ExAC 0.00001; gnomAD exomes below 0.00001.
gnomAD v4.1: 1 of 1,614,096 alleles (0.000062%); highest among the groups gnomAD compares: Admixed American, 0.0017%; no homozygotes.

Submission:

Labcorp Genetics (formerly Invitae), Labcorp
Classification: Uncertain significance for Neuropathy, hereditary sensory and autonomic, type 2A; Pseudohypoaldosteronism type 2C. Last evaluated: 2022-08-01. Review status: criteria provided, single submitter. Criteria: Invitae Variant Classification Sherloc (09022015). Collection method: clinical testing. Allele origin: germline.
Comment: In summary, the available evidence is currently insufficient to determine the role of this variant in disease. Therefore, it has been classified as a Variant of Uncertain Significance. Advanced modeling of protein sequence and biophysical properties (such as structural, functional, and spatial information, amino acid conservation, physicochemical variation, residue mobility, and thermodynamic stability) performed at Invitae indicates that this missense variant is not expected to disrupt WNK1 protein function. This variant has not been reported in the literature in individuals affected with WNK1-related conditions. This variant is present in population databases (rs769694100, gnomAD 0.003%). This sequence change replaces glutamine, which is neutral and polar, with arginine, which is basic and polar, at codon 2042 of the WNK1 protein (p.Gln2042Arg).

NM_018979.4(WNK1):c.5369A>G (p.Gln1790Arg)

Gene: WNK1 (WNK lysine deficient protein kinase 1; plus strand). Cytogenetic location: 12p13.33.
Variant type: single nucleotide variant.
Coding change: c.5369A>G on transcript NM_018979.4 (MANE Select); coding-DNA position 5369, A replaced by G.
Protein change: p.Gln1790Arg; replaces glutamine 1790 with arginine.
Molecular consequence: missense variant.
Genome position (GRCh38, 1-based): chr12:889,144, A>G. VCF-style: chr12-889144-A-G. GRCh37 (hg19) VCF-style: chr12-998310-A-G.
Other names: c.6149A>G, p.Gln2050Arg (NM_001184985.2); c.4628A>G, p.Gln1543Arg (NM_014823.3); c.6125A>G, p.Gln2042Arg (NM_213655.5); short protein forms Q1790R, Q2050R, Q2042R, Q1543R.
Identifiers: ClinVar variation 1959949 (VCV001959949.5), dbSNP rs769694100, ClinGen allele CA6383155.